The following is an entry in ClinVar:

ClinVar aggregate classification (germline): Uncertain significance (1 of 4 stars; one submission).

Submission:

GeneDx
Classification: Uncertain significance. Last evaluated: 2017-09-05. Review status: criteria provided, single submitter. Criteria: GeneDx Variant Classification (06012015). Collection method: clinical testing. Allele origin: germline. Affected: yes.
Comment: The T96S variant in the FGF12 gene has not been reported previously as a pathogenic variant, nor as a benign variant, to our knowledge. The T96S variant is not observed in large population cohorts (Lek et al., 2016; 1000 Genomes Consortium et al., 2015; Exome Variant Server). The T96S variant is a conservative amino acid substitution, which is not likely to impact secondary protein structure as these residues share similar properties. This substitution occurs at a position that is not conserved. However, in silico analysis predicts this variant is probably damaging to the protein structure/function. We interpret T96S as a variant of uncertain significance.

NM_004113.6(FGF12):c.101C>G (p.Thr34Ser)

Gene: FGF12 (fibroblast growth factor 12; minus strand). Cytogenetic location: 3q28.
Variant type: single nucleotide variant.
Coding change: c.101C>G on transcript NM_004113.6 (MANE Select); coding-DNA position 101, C replaced by G.
Protein change: p.Thr34Ser; replaces threonine 34 with serine.
Molecular consequence: missense variant. On other transcripts: intron variant (1).
Genome position (GRCh38, 1-based): chr3:192,360,451, G>C on the plus strand (C>G on the coding strand, the complement: FGF12 is on the minus strand). VCF-style: chr3-192360451-G-C. GRCh37 (hg19) VCF-style: chr3-192078240-G-C.
Other names: c.29C>G, p.Thr10Ser (NM_001377293.1, NM_001377294.1); c.287C>G, p.Thr96Ser (NM_021032.5); c.14-24987C>G (NM_001377292.1); short protein forms T96S, T34S, T10S.
Identifiers: ClinVar variation 451525 (VCV000451525.2), dbSNP rs375956805, ClinGen allele CA355867021.